The following is an entry in ClinVar:

NM_182914.3(SYNE2):c.16468A>C (p.Asn5490His)

Gene: SYNE2 (spectrin repeat containing nuclear envelope protein 2; plus strand). Cytogenetic location: 14q23.2.
Variant type: single nucleotide variant.
Coding change: c.16468A>C on transcript NM_182914.3 (MANE Select); coding-DNA position 16468, A replaced by C.
Protein change: p.Asn5490His; replaces asparagine 5490 with histidine.
Molecular consequence: missense variant.
Genome position (GRCh38, 1-based): chr14:64,163,570, A>C. VCF-style: chr14-64163570-A-C. GRCh37 (hg19) VCF-style: chr14-64630288-A-C.
Other names: c.16468A>C, p.Asn5490His (NM_015180.6); short protein forms N5490H.
Identifiers: ClinVar variation 953973 (VCV000953973.9), dbSNP rs776258589, ClinGen allele CA7223380.
Genomic context (GRCh38, chr14:64,163,570, plus strand): 5'-GGCCCCCTGCACTCTCTCCAGAGGGCTGCTTATTTGGAAAAGATGCTGCTTGTGAAAGCA[A>C]ATGAATTTGAGGTTCATCTTTTCTTTCCATTCAAGTTTTAGTCTTAGACATTTGCATTCC-3'
Protein context (NP_878918.2, residues 5480-5500): YLEKMLLVKA[Asn5490His]EFEFVLSQFK

ClinVar aggregate classification (germline): Uncertain significance (1 of 4 stars; one submission).

Conditions:
Emery-Dreifuss muscular dystrophy 5, autosomal dominant (EDMD5). Also called: EMERY-DREIFUSS MUSCULAR DYSTROPHY 5. Identifiers: Orphanet 261, MedGen C2751805, MONDO:0013072, OMIM 612999.

Allele frequency attached by ClinVar (database versions not stated): ExAC 0.00001.
gnomAD v4.1: 1 of 1,614,132 alleles (0.000062%); highest among the groups gnomAD compares: Admixed American, 0.0017%; no homozygotes.

Submission:

Labcorp Genetics (formerly Invitae), Labcorp
Classification: Uncertain significance for Emery-Dreifuss muscular dystrophy 5, autosomal dominant. Last evaluated: 2021-08-19. Review status: criteria provided, single submitter. Criteria: Invitae Variant Classification Sherloc (09022015). Collection method: clinical testing. Allele origin: germline.
Comment: This sequence change replaces asparagine with histidine at codon 5490 of the SYNE2 protein (p.Asn5490His). The asparagine residue is moderately conserved and there is a small physicochemical difference between asparagine and histidine. This variant is present in population databases (rs776258589, ExAC 0.009%). This variant has not been reported in the literature in individuals with SYNE2-related conditions. Algorithms developed to predict the effect of missense changes on protein structure and function are either unavailable or do not agree on the potential impact of this missense change (SIFT: "Deleterious"; PolyPhen-2: "Benign"; Align-GVGD: "Class C0"). In summary, the available evidence is currently insufficient to determine the role of this variant in disease. Therefore, it has been classified as a Variant of Uncertain Significance.